The following is an entry in ClinVar:

ClinVar aggregate classification (germline): Uncertain significance (1 of 4 stars; one submission).

Conditions:
Stormorken syndrome (STRMK). Also called: THROMBOCYTOPATHY, ASPLENIA, AND MIOSIS. Identifiers: Orphanet 3204, MedGen C1861451, MONDO:0008497, OMIM 185070.
Combined immunodeficiency due to STIM1 deficiency. Also called: IMMUNODEFICIENCY 10; STIM1 DEFICIENCY. Identifiers: Orphanet 169090, Orphanet 317430, MedGen C2748557, MONDO:0013008, OMIM 612783.
Myopathy with tubular aggregates (TAM). Also called: Tubular Aggregate Myopathy. Identifiers: Orphanet 2593, MedGen C0410207, MONDO:0008051.

Submission:

Labcorp Genetics (formerly Invitae), Labcorp
Classification: Uncertain significance for Myopathy with tubular aggregates; Combined immunodeficiency due to STIM1 deficiency; Stormorken syndrome. Last evaluated: 2023-03-08. Review status: criteria provided, single submitter. Criteria: Invitae Variant Classification Sherloc (09022015). Collection method: clinical testing. Allele origin: germline.
Comment: In summary, the available evidence is currently insufficient to determine the role of this variant in disease. Therefore, it has been classified as a Variant of Uncertain Significance. Advanced modeling of protein sequence and biophysical properties (such as structural, functional, and spatial information, amino acid conservation, physicochemical variation, residue mobility, and thermodynamic stability) has been performed at Invitae for this missense variant, however the output from this modeling did not meet the statistical confidence thresholds required to predict the impact of this variant on STIM1 protein function. This variant has not been reported in the literature in individuals affected with STIM1-related conditions. This sequence change replaces serine, which is neutral and polar, with tryptophan, which is neutral and slightly polar, at codon 36 of the STIM1 protein (p.Ser36Trp). This variant is not present in population databases (gnomAD no frequency).

NM_001382567.1(STIM1):c.107C>G (p.Ser36Trp)

Gene: STIM1 (stromal interaction molecule 1; plus strand). Cytogenetic location: 11p15.4.
Variant type: single nucleotide variant.
Coding change: c.107C>G on transcript NM_001382567.1 (MANE Select); coding-DNA position 107, C replaced by G.
Protein change: p.Ser36Trp; replaces serine 36 with tryptophan.
Molecular consequence: missense variant. On other transcripts: 5 prime UTR variant (1), non-coding transcript variant (3), intron variant (10).
Genome position (GRCh38, 1-based): chr11:3,856,377, C>G. VCF-style: chr11-3856377-C-G. GRCh37 (hg19) VCF-style: chr11-3877607-C-G.
Other names: c.107C>G, p.Ser36Trp (NM_001277961.3, NM_001277962.2, NM_001382568.1 and 3 more transcripts); c.103C>G, p.Arg35Gly (NM_001382569.1); c.-131C>G (NM_001382571.1); c.-84+1641C>G (NM_001382578.1, NM_001382575.1, NM_001382574.1); c.-220+1641C>G (NM_001382580.1, NM_001382581.1); c.-84+1723C>G (NM_001382576.1); c.-84+961C>G (NM_001382566.1, NM_001382579.1, NM_001382577.1 and 1 more transcripts); short protein forms R35G, S36W.
Identifiers: ClinVar variation 2942925 (VCV002942925.3), dbSNP rs200907515, ClinGen allele CA379196497.